The following is an entry in ClinVar:

ClinVar aggregate classification (germline): Conflicting classifications of pathogenicity. Review status: criteria provided, conflicting classifications (1 of 4 stars). 3 submissions from 2 submitters: Uncertain significance (1); Benign (1); Likely benign (1). Last evaluated 2024-11-11.

Conditions:
Autosomal recessive ataxia, Beauce type. Also called: SYNE1 Deficiency; SYNE1-Related Autosomal Recessive Cerebellar Ataxia; Spinocerebellar ataxia, autosomal recessive 8; ATAXIA, RECESSIVE, OF BEAUCE. Identifiers: Orphanet 88644, MedGen C1853116, MONDO:0012549, OMIM 610743.
Emery-Dreifuss muscular dystrophy 4, autosomal dominant (EDMD4). Also called: EMERY-DREIFUSS MUSCULAR DYSTROPHY 4 WITH VARIABLE FEATURES. Identifiers: Orphanet 261, MedGen C2751807, MONDO:0013071, OMIM 612998.

Allele frequency attached by ClinVar (database versions not stated): ExAC 0.00002; gnomAD 0.00002; gnomAD exomes 0.00002; TOPMed 0.00002.
gnomAD v4.1: 12 of 1,613,946 alleles (0.00074%); highest among the groups gnomAD compares: African/African-American, 0.0053%; no homozygotes.

Submissions (3):

Labcorp Genetics (formerly Invitae), Labcorp
Classification: Likely benign for Emery-Dreifuss muscular dystrophy 4, autosomal dominant; Autosomal recessive ataxia, Beauce type. Last evaluated: 2024-11-11. Review status: criteria provided, single submitter. Criteria: Invitae Variant Classification Sherloc (09022015). Collection method: clinical testing. Allele origin: germline.

Illumina Laboratory Services, Illumina
Classification: Uncertain significance for Autosomal recessive ataxia, Beauce type. Last evaluated: 2018-01-13. Review status: criteria provided, single submitter. Criteria: ICSL Variant Classification Criteria 13 December 2019. Collection method: clinical testing. Allele origin: germline.

Illumina Laboratory Services, Illumina
Classification: Benign for Emery-Dreifuss muscular dystrophy 4, autosomal dominant. Last evaluated: 2018-01-13. Review status: criteria provided, single submitter. Criteria: ICSL Variant Classification Criteria 13 December 2019. Collection method: clinical testing. Allele origin: germline.
Comment: This variant was observed in the ICSL laboratory as part of a predisposition screen in an ostensibly healthy population. It had not been previously curated by ICSL or reported in the Human Gene Mutation Database (HGMD: prior to June 1st, 2018), and was therefore a candidate for classification through an automated scoring system. Utilizing variant allele frequency, disease prevalence and penetrance estimates, and inheritance mode, an automated score was calculated to assess if this variant is too frequent to cause the disease. Based on the score and internal cut-off values, a variant classified as benign is not then subjected to further curation. The score for this variant resulted in a classification of benign for this disease.

NM_182961.4(SYNE1):c.4908C>T (p.Tyr1636=)

Gene: SYNE1 (spectrin repeat containing nuclear envelope protein 1; minus strand). Cytogenetic location: 6q25.2.
Variant type: single nucleotide variant.
Coding change: c.4908C>T on transcript NM_182961.4 (MANE Select); coding-DNA position 4908, C replaced by T.
Protein change: p.Tyr1636=; no amino-acid change (tyrosine 1636 retained).
Molecular consequence: synonymous variant.
Genome position (GRCh38, 1-based): chr6:152,428,273, G>A on the plus strand (C>T on the coding strand, the complement: SYNE1 is on the minus strand). VCF-style: chr6-152428273-G-A. GRCh37 (hg19) VCF-style: chr6-152749408-G-A.
Other names: c.4929C>T, p.Tyr1643= (NM_033071.5).
Identifiers: ClinVar variation 355923 (VCV000355923.13), dbSNP rs771955377, ClinGen allele CA4058430.